The following is an entry in ClinVar:

ClinVar aggregate classification (germline): Uncertain significance (0 of 4 stars; one submission).

Conditions:
SEMA3F-related disorder. Also called: SEMA3F-related condition.

Submission:

PreventionGenetics, part of Exact Sciences
Classification: Uncertain significance for SEMA3F-related condition. Last evaluated: 2024-07-25. Review status: no assertion criteria provided. Collection method: clinical testing. Allele origin: germline.
Comment: The SEMA3F c.1109C>A variant is predicted to result in the amino acid substitution p.Ala370Asp. To our knowledge, this variant has not been reported in the literature or in a large population database, indicating this variant is rare. At this time, the clinical significance of this variant is uncertain due to the absence of conclusive functional and genetic evidence.

NM_004186.5(SEMA3F):c.1109C>A (p.Ala370Asp)

Gene: SEMA3F (semaphorin 3F; plus strand). Cytogenetic location: 3p21.31.
Variant type: single nucleotide variant.
Coding change: c.1109C>A on transcript NM_004186.5 (MANE Select); coding-DNA position 1109, C replaced by A.
Protein change: p.Ala370Asp; replaces alanine 370 with aspartic acid.
Molecular consequence: missense variant.
Genome position (GRCh38, 1-based): chr3:50,183,440, C>A. VCF-style: chr3-50183440-C-A. GRCh37 (hg19) VCF-style: chr3-50220873-C-A.
Other names: c.812C>A, p.Ala271Asp (NM_001318798.2); c.1016C>A, p.Ala339Asp (NM_001318800.2); short protein forms A271D, A339D, A370D.
Identifiers: ClinVar variation 3344283 (VCV003344283.1).